The following is an entry in ClinVar:

ClinVar aggregate classification (germline): Uncertain significance (1 of 4 stars; one submission).

Conditions:
Inborn genetic diseases. Identifiers: MedGen C0950123, MeSH D030342.

gnomAD v4.1: 3 of 1,614,190 alleles (0.00019%); highest among the groups gnomAD compares: East Asian, 0.0022%; no homozygotes.

Submission:

Ambry Genetics
Classification: Uncertain significance for Inborn genetic diseases. Last evaluated: 2025-07-10. Review status: criteria provided, single submitter. Criteria: Ambry Variant Classification Scheme 2023. Collection method: clinical testing. Allele origin: germline.
Comment: The p.F1049S variant (also known as c.3146T>C), located in coding exon 32 of the FANCA gene, results from a T to C substitution at nucleotide position 3146. The phenylalanine at codon 1049 is replaced by serine, an amino acid with highly dissimilar properties. This amino acid position is conserved. In addition, the in silico prediction for this alteration is inconclusive. Based on the available evidence, the clinical significance of this variant remains unclear.

NM_000135.4(FANCA):c.3146T>C (p.Phe1049Ser)

Gene: FANCA (FA complementation group A; minus strand). Cytogenetic location: 16q24.3.
Variant type: single nucleotide variant.
Coding change: c.3146T>C on transcript NM_000135.4 (MANE Select); coding-DNA position 3146, T replaced by C.
Protein change: p.Phe1049Ser; replaces phenylalanine 1049 with serine.
Molecular consequence: missense variant.
Genome position (GRCh38, 1-based): chr16:89,749,823, A>G on the plus strand (T>C on the coding strand, the complement: FANCA is on the minus strand). VCF-style: chr16-89749823-A-G. GRCh37 (hg19) VCF-style: chr16-89816231-A-G.
Other names: c.3146T>C, p.Phe1049Ser (NM_001286167.3); short protein forms F1049S.
Identifiers: ClinVar variation 4254188 (VCV004254188.1).